The following is an entry in ClinVar:

ClinVar aggregate classification (germline): Likely benign (1 of 4 stars; one submission).

Submission:

CeGaT Center for Human Genetics Tuebingen
Classification: Likely benign. Last evaluated: 2024-07-01. Review status: criteria provided, single submitter. Criteria: CeGaT Center For Human Genetics Tuebingen Variant Classification Criteria Version 2. Collection method: clinical testing. Allele origin: germline. Affected: yes. Observed: 1 variant allele.
Comment: ANK1: PM2:Supporting, BP4, BP7

NM_000037.4(ANK1):c.4257A>G (p.Ala1419=)

Gene: ANK1 (ankyrin 1; minus strand). Cytogenetic location: 8p11.21.
Variant type: single nucleotide variant.
Coding change: c.4257A>G on transcript NM_000037.4 (MANE Select); coding-DNA position 4257, A replaced by G.
Protein change: p.Ala1419=; no amino-acid change (alanine 1419 retained).
Molecular consequence: synonymous variant.
Genome position (GRCh38, 1-based): chr8:41,688,157, T>C on the plus strand (A>G on the coding strand, the complement: ANK1 is on the minus strand). VCF-style: chr8-41688157-T-C. GRCh37 (hg19) VCF-style: chr8-41545675-T-C.
Other names: c.4380A>G, p.Ala1460= (NM_001142446.2); c.4257A>G, p.Ala1419= (NM_020475.3, NM_020476.3, NM_020477.3).
Identifiers: ClinVar variation 3341992 (VCV003341992.16).